The following is an entry in ClinVar:

ClinVar aggregate classification (germline): Pathogenic. Review status: reviewed by expert panel (3 of 4 stars). 7 submissions from 7 submitters: Pathogenic (1). 6 of the submissions do not count toward it. Last evaluated 2016-09-08.

Conditions:
Hereditary breast ovarian cancer syndrome. Also called: Hereditary breast and ovarian cancer syndrome; Hereditary breast and ovarian cancer; Hereditary breast and ovarian cancer syndrome (HBOC); Breast and ovarian cancer; Hereditary breast and/or ovarian cancer syndrome; BRCA1- and BRCA2-Associated Hereditary Breast and Ovarian Cancer. Identifiers: Orphanet 145, MedGen C0677776, MeSH D061325, MONDO:0003582. Disease mechanism: loss of function.
Hereditary cancer-predisposing syndrome. Also called: Neoplastic Syndromes, Hereditary; Tumor predisposition; Hereditary neoplastic syndrome; Hereditary Cancer Syndrome. Identifiers: Orphanet 140162, MedGen C0027672, MeSH D009386, MONDO:0015356.
Breast-ovarian cancer, familial, susceptibility to, 2 (BROVCA2). Also called: BRCA2 Hereditary Breast and Ovarian Cancer. Identifiers: Orphanet 145, MedGen C2675520, MONDO:0012933, OMIM 612555. Disease mechanism: loss of function.

Submissions (7):

Evidence-based Network for the Interpretation of Germline Mutant Alleles (ENIGMA)
Classification: Pathogenic for Breast-ovarian cancer, familial, susceptibility to, 2. Last evaluated: 2016-09-08. Review status: reviewed by expert panel. Criteria: ENIGMA BRCA1/2 Classification Criteria (2015). Collection method: curation. Allele origin: germline.
Comment: Variant allele predicted to encode a truncated non-functional protein.

Labcorp Genetics (formerly Invitae), Labcorp
Classification: Pathogenic for Hereditary breast ovarian cancer syndrome. Last evaluated: 2024-02-09. Review status: criteria provided, single submitter. Criteria: Invitae Variant Classification Sherloc (09022015). Collection method: clinical testing. Allele origin: germline. Not counted in ClinVar's aggregate classification.
Comment: This sequence change creates a premature translational stop signal (p.Glu1646Lysfs*24) in the BRCA2 gene. It is expected to result in an absent or disrupted protein product. Loss-of-function variants in BRCA2 are known to be pathogenic (PMID: 20104584). This variant is not present in population databases (gnomAD no frequency). This premature translational stop signal has been observed in individual(s) with hereditary breast and ovarian cancer (HBOC) (PMID: 14985394). This variant is also known as 5163delA. ClinVar contains an entry for this variant (Variation ID: 51745). For these reasons, this variant has been classified as Pathogenic.

Color Diagnostics, LLC DBA Color Health
Classification: Pathogenic for Hereditary cancer-predisposing syndrome. Last evaluated: 2022-02-23. Review status: criteria provided, single submitter. Criteria: ACMG Guidelines, 2015. Collection method: clinical testing. Allele origin: germline. Not counted in ClinVar's aggregate classification.
Comment: This variant deletes 1 nucleotide in exon 11 of the BRCA2 gene, creating a frameshift and premature translation stop signal. This variant is expected to result in an absent or non-functional protein product. This variant has been reported in 2 individuals affected with breast cancer (PMID: 17445839, Color internal data). This variant has not been identified in the general population by the Genome Aggregation Database (gnomAD). Loss of BRCA2 function is a known mechanism of disease. Based on the available evidence, this variant is classified as Pathogenic.

Consortium of Investigators of Modifiers of BRCA1/2 (CIMBA), c/o University of Cambridge
Classification: Pathogenic for Breast-ovarian cancer, familial, susceptibility to, 2. Last evaluated: 2015-10-02. Review status: criteria provided, single submitter. Criteria: CIMBA Mutation Classification guidelines May 2016. Collection method: clinical testing. Allele origin: germline. Not counted in ClinVar's aggregate classification.

Counsyl
Classification: Pathogenic for Breast-ovarian cancer, familial, susceptibility to, 2. Last evaluated: 2016-10-18. Review status: no assertion criteria provided. Collection method: clinical testing. Allele origin: unknown. Not counted in ClinVar's aggregate classification.

Research Molecular Genetics Laboratory, Women's College Hospital, University of Toronto
Classification: Pathogenic for Hereditary breast ovarian cancer syndrome. Last evaluated: 2014-01-31. Review status: no assertion criteria provided. Collection method: research. Allele origin: germline. Affected: yes. Study: The Canadian Open Genetics Repository (COGR). Not counted in ClinVar's aggregate classification.

Breast Cancer Information Core (BIC) (BRCA2)
Classification: Pathogenic for Breast-ovarian cancer, familial 2. Last evaluated: 2002-05-29. Review status: no assertion criteria provided. Collection method: clinical testing. Allele origin: germline. Affected: yes. Observed: 2 variant alleles. Not counted in ClinVar's aggregate classification.

Literature cited by the submitters: PubMed 20104584 (cited by Labcorp Genetics (formerly Invitae), Labcorp); PubMed 14985394 (cited by Labcorp Genetics (formerly Invitae), Labcorp and Counsyl); PubMed 17445839 (cited by Color Diagnostics, LLC DBA Color Health); PubMed 23034506 (cited by Counsyl); PubMed 20167696 (cited by Counsyl); PubMed 15131399 (cited by Counsyl).

NM_000059.4(BRCA2):c.4935del (p.Glu1646fs)

Gene: BRCA2 (BRCA2 DNA repair associated; plus strand). Cytogenetic location: 13q13.1.
Variant type: Deletion.
Coding change: c.4935del on transcript NM_000059.4 (MANE Select); coding-DNA position 4935, one base deleted (A; older notation c.4935delA).
Protein change: p.Glu1646fs; shifts the reading frame from glutamic acid 1646.
Molecular consequence: frameshift variant.
Genome position (GRCh38, 1-based): chr13:32,339,290, A deleted; the last of 5 consecutive A bases (chr13:32,339,286-32,339,290); deleting any one gives the same sequence. VCF-style (leftmost placement, unchanged base first): chr13-32339285-GA-G. GRCh37 (hg19) VCF-style: chr13-32913422-GA-G.
Other names: 5163delA; c.4935delA (NM_000059.3).
Identifiers: ClinVar variation 51745 (VCV000051745.18), dbSNP rs80359472, ClinGen allele CA021030.